The following is an entry in ClinVar:

NM_024753.5(TTC21B):c.2658T>C (p.Ile886=)

Gene: TTC21B (tetratricopeptide repeat domain 21B; minus strand). Cytogenetic location: 2q24.3.
Variant type: single nucleotide variant.
Coding change: c.2658T>C on transcript NM_024753.5 (MANE Select); coding-DNA position 2658, T replaced by C.
Protein change: p.Ile886=; no amino-acid change (isoleucine 886 retained).
Molecular consequence: synonymous variant.
Genome position (GRCh38, 1-based): chr2:165,901,821, A>G on the plus strand (T>C on the coding strand, the complement: TTC21B is on the minus strand). VCF-style: chr2-165901821-A-G. GRCh37 (hg19) VCF-style: chr2-166758331-A-G.
Other names: c.2658T>C (NM_024753.4).
Identifiers: ClinVar variation 2927204 (VCV002927204.5), dbSNP rs1199529907, ClinGen allele CA429896736.

ClinVar aggregate classification (germline): Likely benign. Review status: criteria provided, single submitter (1 of 4 stars). 2 submissions from 2 submitters: Likely benign (1). 1 of the submissions does not count toward it. Last evaluated 2023-05-20.

Conditions:
Jeune thoracic dystrophy. Also called: Short-rib thoracic dysplasia; Infantile thoracic dystrophy; Thoracic pelvic phalangeal dystrophy; Jeune's syndrome; Chondroectodermal dysplasia-like syndrome; Jeune syndrome. Identifiers: Orphanet 474, MedGen C0265275, MONDO:0018770.
Nephronophthisis. Also called: Juvenile Nephronophthisis. Identifiers: Orphanet 655, MedGen C0687120, MONDO:0019005, HP:0000090.
TTC21B-related disorder. Also called: TTC21B-related disorders; TTC21B-related condition.

Allele frequency attached by ClinVar (database versions not stated): TOPMed below 0.00001; gnomAD 0.00001; gnomAD exomes 0.00001.
gnomAD v4.1: 9 of 1,614,014 alleles (0.00056%); highest among the groups gnomAD compares: Middle Eastern, 0.016%; no homozygotes.

Submissions (2):

Labcorp Genetics (formerly Invitae), Labcorp
Classification: Likely benign for Jeune thoracic dystrophy; Nephronophthisis. Last evaluated: 2023-05-20. Review status: criteria provided, single submitter. Criteria: Invitae Variant Classification Sherloc (09022015). Collection method: clinical testing. Allele origin: germline.

PreventionGenetics, part of Exact Sciences
Classification: Likely benign for TTC21B-related condition. Last evaluated: 2019-09-11. Review status: no assertion criteria provided. Collection method: clinical testing. Allele origin: germline. Not counted in ClinVar's aggregate classification.
Comment: This variant is classified as likely benign based on ACMG/AMP sequence variant interpretation guidelines (Richards et al. 2015 PMID: 25741868, with internal and published modifications).